The following is an entry in ClinVar:

NM_032444.4(SLX4):c.1824G>T (p.Glu608Asp)

Gene: SLX4 (SLX4 structure-specific endonuclease subunit; minus strand). Cytogenetic location: 16p13.3.
Variant type: single nucleotide variant.
Coding change: c.1824G>T on transcript NM_032444.4 (MANE Select); coding-DNA position 1824, G replaced by T.
Protein change: p.Glu608Asp; replaces glutamic acid 608 with aspartic acid.
Molecular consequence: missense variant.
Genome position (GRCh38, 1-based): chr16:3,596,253, C>A on the plus strand (G>T on the coding strand, the complement: SLX4 is on the minus strand). VCF-style: chr16-3596253-C-A. GRCh37 (hg19) VCF-style: chr16-3646254-C-A.
Other names: c.1824G>T (LRG_503t1); short protein forms E608D.
Identifiers: ClinVar variation 649195 (VCV000649195.8), dbSNP rs1028896815, ClinGen allele CA394527288.

ClinVar aggregate classification (germline): Uncertain significance (1 of 4 stars; one submission).

Conditions:
Fanconi anemia (FA). Also called: Fanconi's anemia. Identifiers: Orphanet 84, MedGen C0015625, MeSH D005199, MONDO:0019391.

gnomAD v4.1: 1 of 1,558,100 alleles (0.000064%); highest among the groups gnomAD compares: East Asian, 0.0024%; no homozygotes.

Submission:

Labcorp Genetics (formerly Invitae), Labcorp
Classification: Uncertain significance for Fanconi anemia. Last evaluated: 2022-04-30. Review status: criteria provided, single submitter. Criteria: Invitae Variant Classification Sherloc (09022015). Collection method: clinical testing. Allele origin: germline.
Comment: In summary, the available evidence is currently insufficient to determine the role of this variant in disease. Therefore, it has been classified as a Variant of Uncertain Significance. Algorithms developed to predict the effect of missense changes on protein structure and function output the following: SIFT: "Tolerated"; PolyPhen-2: "Benign"; Align-GVGD: "Class C0". The aspartic acid amino acid residue is found in multiple mammalian species, which suggests that this missense change does not adversely affect protein function. ClinVar contains an entry for this variant (Variation ID: 649195). This variant has not been reported in the literature in individuals affected with SLX4-related conditions. This variant is not present in population databases (gnomAD no frequency). This sequence change replaces glutamic acid, which is acidic and polar, with aspartic acid, which is acidic and polar, at codon 608 of the SLX4 protein (p.Glu608Asp).